The following is an entry in ClinVar:

NM_006846.4(SPINK5):c.1607+7G>T

Gene: SPINK5 (serine peptidase inhibitor Kazal type 5; plus strand). Cytogenetic location: 5q32.
Variant type: single nucleotide variant.
Coding change: c.1607+7G>T on transcript NM_006846.4 (MANE Select); 7 bases into the intron after coding-DNA position 1607, G replaced by T.
Molecular consequence: intron variant.
Genome position (GRCh38, 1-based): chr5:148,107,171, G>T. VCF-style: chr5-148107171-G-T. GRCh37 (hg19) VCF-style: chr5-147486734-G-T.
Other names: c.1607+7G>T (NM_001127698.2, NM_001127699.2).
Identifiers: ClinVar variation 351526 (VCV000351526.29), dbSNP rs541432320, ClinGen allele CA3495667.

ClinVar aggregate classification (germline): Conflicting classifications of pathogenicity. Review status: criteria provided, conflicting classifications (1 of 4 stars). 5 submissions from 5 submitters: Uncertain significance (1); Likely benign (3). 1 of the submissions does not count toward it. Last evaluated 2026-01-20.

Conditions:
Ichthyosis linearis circumflexa. Identifiers: MedGen C0265962, MONDO:0043106, HP:0025810.
SPINK5-related disorder. Also called: SPINK5-related condition.
Netherton syndrome (NETH). Also called: NETHERTON DISEASE; ERYTHRODERMA, ICHTHYOSIFORM, WITH HYPOTRICHOSIS AND HYPER-IgE; COMEL-NETHERTON SYNDROME. Identifiers: Orphanet 634, MedGen C5574950, MONDO:0009735, OMIM 256500.

Allele frequency attached by ClinVar (database versions not stated): gnomAD 0.00007 and 0.00019; TOPMed 0.00008; gnomAD exomes 0.00016 and 0.00029; 1000 Genomes Project 30x 0.00031; ExAC 0.00032; 1000 Genomes Project 0.00040.
gnomAD v4.1: 268 of 1,610,904 alleles (0.017%); highest among the groups gnomAD compares: South Asian, 0.2%; 2 homozygotes.

Submissions (5):

Labcorp Genetics (formerly Invitae), Labcorp
Classification: Likely benign for Ichthyosis linearis circumflexa. Last evaluated: 2026-01-20. Review status: criteria provided, single submitter. Criteria: Invitae Variant Classification Sherloc (09022015). Collection method: clinical testing. Allele origin: germline.

CeGaT Center for Human Genetics Tuebingen
Classification: Likely benign. Last evaluated: 2025-05-01. Review status: criteria provided, single submitter. Criteria: CeGaT Center For Human Genetics Tuebingen Variant Classification Criteria Version 2. Collection method: clinical testing. Allele origin: germline. Affected: yes. Observed: 1 variant allele.
Comment: SPINK5: BP4

Blueprint Genetics
Classification: Likely benign. Last evaluated: 2024-11-17. Review status: criteria provided, single submitter. Criteria: ACMG Guidelines, 2015. Collection method: clinical testing. Allele origin: germline.

Illumina Laboratory Services, Illumina
Classification: Uncertain significance for Netherton syndrome. Last evaluated: 2018-01-13. Review status: criteria provided, single submitter. Criteria: ICSL Variant Classification Criteria 13 December 2019. Collection method: clinical testing. Allele origin: germline.

PreventionGenetics, part of Exact Sciences
Classification: Likely benign for SPINK5-related condition. Last evaluated: 2023-08-24. Review status: no assertion criteria provided. Collection method: clinical testing. Allele origin: germline. Not counted in ClinVar's aggregate classification.
Comment: This variant is classified as likely benign based on ACMG/AMP sequence variant interpretation guidelines (Richards et al. 2015 PMID: 25741868, with internal and published modifications).